The following is an entry in ClinVar:

NM_000038.6(APC):c.3406G>A (p.Glu1136Lys)

Gene: APC (APC regulator of Wnt signaling pathway; plus strand). Cytogenetic location: 5q22.2.
Variant type: single nucleotide variant.
Coding change: c.3406G>A on transcript NM_000038.6 (MANE Select); coding-DNA position 3406, G replaced by A.
Protein change: p.Glu1136Lys; replaces glutamic acid 1136 with lysine.
Molecular consequence: missense variant.
Genome position (GRCh38, 1-based): chr5:112,839,000, G>A. VCF-style: chr5-112839000-G-A. GRCh37 (hg19) VCF-style: chr5-112174697-G-A.
Other names: c.3376G>A, p.Glu1126Lys (NM_001407452.1); c.3229G>A, p.Glu1077Lys (NM_001407453.1, NM_001354901.2); c.3157G>A, p.Glu1053Lys (NM_001407454.1, NM_001407455.1, NM_001407456.1 and 1 more transcripts); c.3019G>A, p.Glu1007Lys (NM_001407467.1, NM_001407469.1); c.2557G>A, p.Glu853Lys (NM_001407470.1, NM_001354906.2); c.2254G>A, p.Glu752Lys (NM_001407471.1, NM_001407472.1); c.3103G>A, p.Glu1035Lys (NM_001407459.1, NM_001407460.1, NM_001407458.1 and 1 more transcripts); c.3406G>A, p.Glu1136Lys (NM_001127510.3, NM_001354895.2, NM_001407450.1); and 11 more; short protein forms E1010K, E1118K, E1129K, E976K, E1007K, E1045K, E1095K, E1136K.
Identifiers: ClinVar variation 1731128 (VCV001731128.2), dbSNP rs2149891256, ClinGen allele CA16028797.

ClinVar aggregate classification (germline): Uncertain significance (1 of 4 stars; one submission).

Conditions:
Hereditary cancer-predisposing syndrome. Also called: Neoplastic Syndromes, Hereditary; Tumor predisposition; Hereditary Cancer Syndrome; Hereditary neoplastic syndrome. Identifiers: Orphanet 140162, MedGen C0027672, MeSH D009386, MONDO:0015356.

Allele frequency attached by ClinVar (database versions not stated): gnomAD exomes below 0.00001.
gnomAD v4.1: 1 of 1,614,050 alleles (0.000062%); highest among the groups gnomAD compares: South Asian, 0.0011%; no homozygotes.

Submission:

Ambry Genetics
Classification: Uncertain significance for Hereditary cancer-predisposing syndrome. Last evaluated: 2020-01-10. Review status: criteria provided, single submitter. Criteria: Ambry Variant Classification Scheme 2023. Collection method: clinical testing. Allele origin: germline.
Comment: The p.E1136K variant (also known as c.3406G>A), located in coding exon 15 of the APC gene, results from a G to A substitution at nucleotide position 3406. The glutamic acid at codon 1136 is replaced by lysine, an amino acid with similar properties. This amino acid position is not well conserved in available vertebrate species. In addition, in silico predictors for this gene do not accurately predict pathogenicity. Since supporting evidence is limited at this time, the clinical significance of this alteration remains unclear.